The following is an entry in ClinVar:

NM_003014.4(SFRP4):c.646A>G (p.Thr216Ala)

Gene: SFRP4 (secreted frizzled related protein 4; minus strand). Cytogenetic location: 7p14.1.
Variant type: single nucleotide variant.
Coding change: c.646A>G on transcript NM_003014.4 (MANE Select); coding-DNA position 646, A replaced by G.
Protein change: p.Thr216Ala; replaces threonine 216 with alanine.
Molecular consequence: missense variant.
Genome position (GRCh38, 1-based): chr7:37,912,264, T>C on the plus strand (A>G on the coding strand, the complement: SFRP4 is on the minus strand). VCF-style: chr7-37912264-T-C. GRCh37 (hg19) VCF-style: chr7-37951866-T-C.
Other names: c.646A>G (NM_003014.3); short protein forms T216A.
Identifiers: ClinVar variation 1388837 (VCV001388837.7), dbSNP rs769341984, ClinGen allele CA4222767.

ClinVar aggregate classification (germline): Uncertain significance. Review status: criteria provided, multiple submitters, no conflicts (2 of 4 stars). 2 submissions from 2 submitters: Uncertain significance (2). Last evaluated 2025-03-27.

Conditions:
Inborn genetic diseases. Identifiers: MedGen C0950123, MeSH D030342.

Allele frequency attached by ClinVar (database versions not stated): gnomAD exomes 0.00002 and 0.00003; gnomAD 0.00001; ExAC 0.00002; TOPMed 0.00001.
gnomAD v4.1: 47 of 1,614,046 alleles (0.0029%); highest among the groups gnomAD compares: Non-Finnish European, 0.0039%; no homozygotes.

Submissions (2):

Ambry Genetics
Classification: Uncertain significance for Inborn genetic diseases. Last evaluated: 2025-03-27. Review status: criteria provided, single submitter. Criteria: Ambry Variant Classification Scheme 2023. Collection method: clinical testing. Allele origin: germline.

Labcorp Genetics (formerly Invitae), Labcorp
Classification: Uncertain significance. Last evaluated: 2022-05-30. Review status: criteria provided, single submitter. Criteria: Invitae Variant Classification Sherloc (09022015). Collection method: clinical testing. Allele origin: germline.
Comment: In summary, the available evidence is currently insufficient to determine the role of this variant in disease. Therefore, it has been classified as a Variant of Uncertain Significance. This sequence change replaces threonine, which is neutral and polar, with alanine, which is neutral and non-polar, at codon 216 of the SFRP4 protein (p.Thr216Ala). This variant is present in population databases (rs769341984, gnomAD 0.004%). This variant has not been reported in the literature in individuals affected with SFRP4-related conditions. ClinVar contains an entry for this variant (Variation ID: 1388837). Algorithms developed to predict the effect of missense changes on protein structure and function are either unavailable or do not agree on the potential impact of this missense change (SIFT: "Tolerated"; PolyPhen-2: "Probably Damaging"; Align-GVGD: "Class C0").